The following is an entry in ClinVar:

NM_032578.4(MYPN):c.1251G>A (p.Gln417=)

Gene: MYPN (myopalladin; plus strand). Cytogenetic location: 10q21.3.
Variant type: single nucleotide variant.
Coding change: c.1251G>A on transcript NM_032578.4 (MANE Select); coding-DNA position 1251, G replaced by A.
Protein change: p.Gln417=; no amino-acid change (glutamine 417 retained).
Molecular consequence: synonymous variant. On other transcripts: non-coding transcript variant (2).
Genome position (GRCh38, 1-based): chr10:68,150,045, G>A. VCF-style: chr10-68150045-G-A. GRCh37 (hg19) VCF-style: chr10-69909802-G-A.
Other names: p.Q417Q:CAG>CAA; p.Gln417=; c.1251G>A, p.Gln417= (NM_001256267.2); c.369G>A, p.Gln123= (NM_001256268.2).
Identifiers: ClinVar variation 31794 (VCV000031794.23), dbSNP rs10997948, ClinGen allele CA215286.

ClinVar aggregate classification (germline): Benign. Review status: criteria provided, multiple submitters, no conflicts (2 of 4 stars). 8 submissions from 8 submitters: Benign (7). 1 of the submissions does not count toward it. Last evaluated 2026-02-04.

Conditions:
Cardiovascular phenotype. Identifiers: MedGen CN230736.
Dilated cardiomyopathy 1KK (CMD1KK). Identifiers: Orphanet 154, Orphanet 75249, MedGen C3714995, MONDO:0014100, OMIM 615248.

Allele frequency attached by ClinVar (database versions not stated): gnomAD exomes 0.08154 and 0.08110; 1000 Genomes Project 0.08427; ExAC 0.08446; 1000 Genomes Project 30x 0.08776; gnomAD 0.09905 and 0.10147; TOPMed 0.10273; ESP Exome Variant Server 0.10857.
gnomAD v4.1: 134,438 of 1,611,476 alleles (8.3%); highest among the groups gnomAD compares: African/African-American, 16%; 6,240 homozygotes.

Submissions (8):

Labcorp Genetics (formerly Invitae), Labcorp
Classification: Benign for Dilated cardiomyopathy 1KK. Last evaluated: 2026-02-04. Review status: criteria provided, single submitter. Criteria: Invitae Variant Classification Sherloc (09022015). Collection method: clinical testing. Allele origin: germline.

Blueprint Genetics
Classification: Benign. Last evaluated: 2024-11-27. Review status: criteria provided, single submitter. Criteria: ACMG Guidelines, 2015. Collection method: clinical testing. Allele origin: germline.

Mayo Clinic Laboratories, Mayo Clinic
Classification: Benign. Last evaluated: 2022-03-24. Review status: criteria provided, single submitter. Criteria: ACMG Guidelines, 2015. Collection method: clinical testing. Allele origin: germline. Observed: 279 variant alleles.

Ambry Genetics
Classification: Benign for Cardiovascular phenotype. Last evaluated: 2015-06-12. Review status: criteria provided, single submitter. Criteria: Ambry Variant Classification Scheme 2023. Collection method: clinical testing. Allele origin: germline.

Laboratory for Molecular Medicine, Mass General Brigham Personalized Medicine
Classification: Benign. Last evaluated: 2014-10-29. Review status: criteria provided, single submitter. Criteria: LMM Criteria. Collection method: clinical testing. Allele origin: germline. Observed: 104 variant alleles.
Comment: p.Gln417Gln in exon 7 of MYPN: This variant is not expected to have clinical sig nificance because it has been identified in 16% (702/4406) of African American c hromosomes by the NHLBI Exome Sequencing Project (VS/; dbSNPrs10997948).

GeneDx
Classification: Benign. Last evaluated: 2013-11-13. Review status: criteria provided, single submitter. Criteria: GeneDx Variant Classification (06012015). Collection method: clinical testing. Allele origin: germline. Affected: yes.
Comment: This variant is considered likely benign or benign based on one or more of the following criteria: it is a conservative change, it occurs at a poorly conserved position in the protein, it is predicted to be benign by multiple in silico algorithms, and/or has population frequency not consistent with disease.

Breakthrough Genomics
Classification: Benign. Review status: criteria provided, single submitter. Criteria: ACMG Guidelines, 2015. Collection method: not provided. Allele origin: germline. Inheritance: Autosomal recessive inheritance. Affected: yes.

Leiden Muscular Dystrophy (MYPN)
No classification provided. Last evaluated: 2012-04-27. Review status: no classification provided. Collection method: curation. Allele origin: germline. Not counted in ClinVar's aggregate classification.